The following is an entry in ClinVar:

ClinVar aggregate classification (germline): Uncertain significance (1 of 4 stars; one submission).

gnomAD v4.1: 1 of 1,613,572 alleles (0.000062%); highest among the groups gnomAD compares: Non-Finnish European, 0.000085%; no homozygotes.

Submission:

CeGaT Center for Human Genetics Tuebingen
Classification: Uncertain significance. Last evaluated: 2026-07-01. Review status: criteria provided, single submitter. Criteria: CeGaT Center For Human Genetics Tuebingen Variant Classification Criteria Version 2. Collection method: clinical testing. Allele origin: germline. Affected: yes. Observed: 1 variant allele.
Comment: SMARCC1: PM2

NM_003074.4(SMARCC1):c.2209C>T (p.His737Tyr)

Gene: SMARCC1 (SWI/SNF related BAF chromatin remodeling complex subunit C1; minus strand). Cytogenetic location: 3p21.31.
Variant type: single nucleotide variant.
Coding change: c.2209C>T on transcript NM_003074.4 (MANE Select); coding-DNA position 2209, C replaced by T.
Protein change: p.His737Tyr; replaces histidine 737 with tyrosine.
Molecular consequence: missense variant.
Genome position (GRCh38, 1-based): chr3:47,661,405, G>A on the plus strand (C>T on the coding strand, the complement: SMARCC1 is on the minus strand). VCF-style: chr3-47661405-G-A. GRCh37 (hg19) VCF-style: chr3-47702895-G-A.
Other names: short protein forms H737Y.
Identifiers: ClinVar variation 5039436 (VCV005039436.1).